The following is an entry in ClinVar:

ClinVar aggregate classification (germline): Uncertain significance (1 of 4 stars; one submission).

Submission:

GeneDx
Classification: Uncertain significance. Last evaluated: 2021-04-20. Review status: criteria provided, single submitter. Criteria: GeneDx Variant Classification Process June 2021. Collection method: clinical testing. Allele origin: germline. Affected: yes.
Comment: Not observed in large population cohorts (Lek et al., 2016); In silico analysis supports that this missense variant has a deleterious effect on protein structure/function; Has not been previously published as pathogenic or benign to our knowledge

NM_001271.4(CHD2):c.3052C>G (p.Leu1018Val)

Genes: CHD2 (chromodomain helicase DNA binding protein 2; plus strand), LOC126862230 (P300/CBP strongly-dependent group 1 enhancer GRCh37_chr15:93523977-93525176; plus strand). Cytogenetic location: 15q26.1.
Variant type: single nucleotide variant.
Coding change: c.3052C>G on transcript NM_001271.4 (MANE Select); coding-DNA position 3052, C replaced by G.
Protein change: p.Leu1018Val; replaces leucine 1018 with valine.
Molecular consequence: missense variant.
Genome position (GRCh38, 1-based): chr15:92,981,443, C>G. VCF-style: chr15-92981443-C-G. GRCh37 (hg19) VCF-style: chr15-93524673-C-G.
Other names: short protein forms L1018V.
Identifiers: ClinVar variation 1314803 (VCV001314803.2), dbSNP rs2141847160, ClinGen allele CA393895008.